The following is an entry in ClinVar:

ClinVar aggregate classification (germline): Uncertain significance (1 of 4 stars; one submission).

Submission:

Labcorp Genetics (formerly Invitae), Labcorp
Classification: Uncertain significance. Last evaluated: 2024-01-15. Review status: criteria provided, single submitter. Criteria: Invitae Variant Classification Sherloc (09022015). Collection method: clinical testing. Allele origin: germline.
Comment: The OPA1 gene has multiple clinically relevant transcripts. This variant occurs in alternate transcript NM_130837.2, and corresponds to NM_015560.2:c.556+499G>A in the primary transcript. This sequence change replaces glycine, which is neutral and non-polar, with aspartic acid, which is acidic and polar, at codon 186 of the OPA1 protein (p.Gly186Asp). This variant is present in population databases (rs748799408, gnomAD 0.01%). This variant has not been reported in the literature in individuals affected with OPA1-related conditions. ClinVar contains an entry for this variant (Variation ID: 1587103). Experimental studies and prediction algorithms are not available or were not evaluated, and the functional significance of this variant is currently unknown. Algorithms developed to predict the effect of sequence changes on RNA splicing suggest that this variant is not likely to affect RNA splicing. In summary, the available evidence is currently insufficient to determine the role of this variant in disease. Therefore, it has been classified as a Variant of Uncertain Significance.

NM_130837.3(OPA1):c.611G>A (p.Gly204Asp)

Genes: OPA1 (OPA1 mitochondrial dynamin like GTPase; plus strand), OPA1-AS1 (OPA1 antisense RNA 1; minus strand). Cytogenetic location: 3q29.
Variant type: single nucleotide variant.
Coding change: c.611G>A on transcript NM_130837.3 (MANE Select); coding-DNA position 611, G replaced by A.
Protein change: p.Gly204Asp; replaces glycine 204 with aspartic acid.
Molecular consequence: missense variant. On other transcripts: non-coding transcript variant (1).
Genome position (GRCh38, 1-based): chr3:193,618,869, G>A. VCF-style: chr3-193618869-G-A. GRCh37 (hg19) VCF-style: chr3-193336658-G-A.
Other names: c.77G>A, p.Gly26Asp (NM_001354663.2); c.185G>A, p.Gly62Asp (NM_001354664.2); c.557G>A, p.Gly186Asp (NM_015560.3, NM_130836.3); c.449G>A, p.Gly150Asp (NM_130831.3, NM_130833.3); c.503G>A, p.Gly168Asp (NM_130832.3, NM_130835.3); c.611G>A, p.Gly204Asp (NM_130834.3); short protein forms G168D, G26D, G150D, G204D, G186D, G62D.
Identifiers: ClinVar variation 4811273 (VCV004811273.1).